The following is an entry in ClinVar:

NM_014444.5(TUBGCP4):c.1643A>T (p.Asn548Ile)

Gene: TUBGCP4 (tubulin gamma complex component 4; plus strand). Cytogenetic location: 15q15.3.
Variant type: single nucleotide variant.
Coding change: c.1643A>T on transcript NM_014444.5 (MANE Select); coding-DNA position 1643, A replaced by T.
Protein change: p.Asn548Ile; replaces asparagine 548 with isoleucine.
Molecular consequence: missense variant.
Genome position (GRCh38, 1-based): chr15:43,401,762, A>T. VCF-style: chr15-43401762-A-T. GRCh37 (hg19) VCF-style: chr15-43693960-A-T.
Other names: c.1646A>T, p.Asn549Ile (NM_001286414.3); short protein forms N549I, N548I.
Identifiers: ClinVar variation 2111618 (VCV002111618.4), dbSNP rs779895384, ClinGen allele CA392137587.

ClinVar aggregate classification (germline): Uncertain significance (1 of 4 stars; one submission).

gnomAD v4.1: 2 of 1,614,166 alleles (0.00012%); highest among the groups gnomAD compares: Middle Eastern, 0.016%; no homozygotes.

Submission:

Labcorp Genetics (formerly Invitae), Labcorp
Classification: Uncertain significance. Last evaluated: 2022-03-14. Review status: criteria provided, single submitter. Criteria: Invitae Variant Classification Sherloc (09022015). Collection method: clinical testing. Allele origin: germline.
Comment: In summary, the available evidence is currently insufficient to determine the role of this variant in disease. Therefore, it has been classified as a Variant of Uncertain Significance. Algorithms developed to predict the effect of missense changes on protein structure and function are either unavailable or do not agree on the potential impact of this missense change (SIFT: "Deleterious"; PolyPhen-2: "Possibly Damaging"; Align-GVGD: "Class C15"). This variant has not been reported in the literature in individuals affected with TUBGCP4-related conditions. This variant is not present in population databases (gnomAD no frequency). This sequence change replaces asparagine, which is neutral and polar, with isoleucine, which is neutral and non-polar, at codon 549 of the TUBGCP4 protein (p.Asn549Ile).